The following is an entry in ClinVar:

ClinVar aggregate classification (germline): Conflicting classifications of pathogenicity. Review status: criteria provided, conflicting classifications (1 of 4 stars). 9 submissions from 9 submitters: Uncertain significance (1); Benign (2); Likely benign (3). 3 of the submissions do not count toward it. Last evaluated 2026-09-01.

Conditions:
LAMC3-related disorder. Also called: LAMC3-related condition.

Allele frequency attached by ClinVar (database versions not stated): 1000 Genomes Project 30x 0.00219; 1000 Genomes Project 0.00220; TOPMed 0.00341; ExAC 0.00345; gnomAD 0.00360 and 0.00368; gnomAD exomes 0.00360 and 0.00557; ESP Exome Variant Server 0.00377.
gnomAD v4.1: 8,750 of 1,614,078 alleles (0.54%); highest among the groups gnomAD compares: Non-Finnish European, 0.63%; 40 homozygotes.

Submissions (9):

CeGaT Center for Human Genetics Tuebingen
Classification: Likely benign. Last evaluated: 2026-09-01. Review status: criteria provided, single submitter. Criteria: CeGaT Center For Human Genetics Tuebingen Variant Classification Criteria Version 2. Collection method: clinical testing. Allele origin: germline. Affected: yes. Observed: 16 variant alleles.
Comment: LAMC3: BP4, BP7, BS2

Labcorp Genetics (formerly Invitae), Labcorp
Classification: Benign. Last evaluated: 2026-02-03. Review status: criteria provided, single submitter. Criteria: Invitae Variant Classification Sherloc (09022015). Collection method: clinical testing. Allele origin: germline.

Blueprint Genetics
Classification: Likely benign. Last evaluated: 2024-11-25. Review status: criteria provided, single submitter. Criteria: ACMG Guidelines, 2015. Collection method: clinical testing. Allele origin: germline.

GeneDx
Classification: Benign. Last evaluated: 2019-01-08. Review status: criteria provided, single submitter. Criteria: GeneDx Variant Classification Process June 2021. Collection method: clinical testing. Allele origin: germline. Affected: yes.

Genetic Services Laboratory, University of Chicago
Classification: Likely benign. Last evaluated: 2015-05-15. Review status: criteria provided, single submitter. Criteria: ACMG Guidelines, 2015. Collection method: clinical testing. Allele origin: germline.

Eurofins Ntd Llc (ga)
Classification: Uncertain significance. Last evaluated: 2014-12-05. Review status: criteria provided, single submitter. Criteria: EGL Classification Definitions 2015. Collection method: clinical testing. Allele origin: germline. Observed: 1 variant allele, 1 heterozygote.

PreventionGenetics, part of Exact Sciences
Classification: Likely benign for LAMC3-related condition. Last evaluated: 2020-04-29. Review status: no assertion criteria provided. Collection method: clinical testing. Allele origin: germline. Not counted in ClinVar's aggregate classification.
Comment: This variant is classified as likely benign based on ACMG/AMP sequence variant interpretation guidelines (Richards et al. 2015 PMID: 25741868, with internal and published modifications).

Clinical Genetics DNA and cytogenetics Diagnostics Lab, Erasmus MC, Erasmus Medical Center
Classification: Likely benign. Review status: no assertion criteria provided. Collection method: clinical testing. Allele origin: germline. Affected: yes. Study: VKGL Data-share Consensus. Not counted in ClinVar's aggregate classification.

Genome Diagnostics Laboratory, Amsterdam University Medical Center
Classification: Likely benign. Review status: no assertion criteria provided. Collection method: clinical testing. Allele origin: germline. Affected: yes. Study: VKGL Data-share Consensus. Not counted in ClinVar's aggregate classification.

NM_006059.4(LAMC3):c.4092C>T (p.Ser1364=)

Gene: LAMC3 (laminin subunit gamma 3; plus strand). Cytogenetic location: 9q34.12.
Variant type: single nucleotide variant.
Coding change: c.4092C>T on transcript NM_006059.4 (MANE Select); coding-DNA position 4092, C replaced by T.
Protein change: p.Ser1364=; no amino-acid change (serine 1364 retained).
Molecular consequence: synonymous variant.
Genome position (GRCh38, 1-based): chr9:131,085,585, C>T. VCF-style: chr9-131085585-C-T. GRCh37 (hg19) VCF-style: chr9-133960972-C-T.
Identifiers: ClinVar variation 195884 (VCV000195884.57), dbSNP rs141724499, ClinGen allele CA209213.